The following is an entry in ClinVar:

NC_000016.9:g.(?_70310369)_(70311077_?)dup

Gene: AARS1 (alanyl-tRNA synthetase 1; minus strand). Cytogenetic location: 16q22.1.
Variant type: Duplication.
Identifiers: ClinVar variation 3243572 (VCV003243572.1).

ClinVar aggregate classification (germline): Likely pathogenic (1 of 4 stars; one submission).

Conditions:
Charcot-Marie-Tooth disease type 2. Also called: Charcot-Marie-Tooth type 2. Identifiers: Orphanet 64746, MedGen C0270914, MONDO:0018993.

Submission:

Labcorp Genetics (formerly Invitae), Labcorp
Classification: Likely pathogenic for Charcot-Marie-Tooth disease type 2. Last evaluated: 2023-04-15. Review status: criteria provided, single submitter. Criteria: Invitae Variant Classification Sherloc (09022015). Collection method: clinical testing. Allele origin: unknown.
Comment: In summary, the currently available evidence indicates that the variant is pathogenic, but additional data are needed to prove that conclusively. Therefore, this variant has been classified as Likely Pathogenic. This variant has not been reported in the literature in individuals affected with AARS-related conditions. This variant results in a copy number gain of the genomic region encompassing exon(s) 3-4 of the AARS gene. While the exact position of this variant cannot be determined from the data, sub-genic copy number gains are generally in tandem (PMID: 25640679). This variant is predicted to be out-of-frame, and may result in an absent or disrupted protein product. Loss-of-function variants in AARS are known to be pathogenic (PMID: 25817015, 28493438, 34446925).

Literature cited by the submitters: PubMed 25640679; PubMed 25817015; PubMed 28493438; PubMed 34446925.